The following is an entry in ClinVar:

NM_000277.3(PAH):c.505C>G (p.Arg169Gly)

Gene: PAH (phenylalanine hydroxylase; minus strand). Cytogenetic location: 12q23.2.
Variant type: single nucleotide variant.
Coding change: c.505C>G on transcript NM_000277.3 (MANE Select); coding-DNA position 505, C replaced by G.
Protein change: p.Arg169Gly; replaces arginine 169 with glycine.
Molecular consequence: missense variant.
Genome position (GRCh38, 1-based): chr12:102,866,600, G>C on the plus strand (C>G on the coding strand, the complement: PAH is on the minus strand). VCF-style: chr12-102866600-G-C. GRCh37 (hg19) VCF-style: chr12-103260378-G-C.
Other names: c.505C>G, p.Arg169Gly (NM_001354304.2); short protein forms R169G.
Identifiers: ClinVar variation 551103 (VCV000551103.3), dbSNP rs281865440, ClinGen allele CA16020804.

ClinVar aggregate classification (germline): Pathogenic. Review status: reviewed by expert panel (3 of 4 stars). 2 submissions from 2 submitters: Pathogenic (1). 1 of the submissions does not count toward it. Last evaluated 2021-02-12.

Conditions:
Phenylketonuria (PKU). Also called: Phenylketonurias; Phenylketonuria (PKU); OLIGOPHRENIA PHENYLPYRUVICA; FOLLING DISEASE. Identifiers: Orphanet 716, MedGen C0031485, MONDO:0009861, OMIM 261600. Disease mechanism: loss of function.

Submissions (2):

ClinGen PAH Variant Curation Expert Panel
Classification: Pathogenic for Phenylketonuria. Last evaluated: 2021-02-12. Review status: reviewed by expert panel. Criteria: ClinGen PAH ACMG Specifications v1. Collection method: curation. Allele origin: germline. Inheritance: Autosomal recessive inheritance.
Comment: This variant was detected in trans with pathogenic variants p.R243Q, p.R241Pfs*100; the validation tests on parents were performed using Sanger sequencing. Also found with pathogenic variant p.Y414C; parental testing not confirmed (PMID: 30050108, 31924462) (PM3-Strong). This variant is absent from controls in gnomAD, 1000 Genomes or ESP (PM2). Multiple lines of computational evidence support a deleterious effect: SIFT, PolyPhen2, and MutationTaster. REVEL score =0.848 (PP4). Missesense variant p.Arg169Ser interpreted as pathogenic by ClinGen PAH VCEP, located at the same amino acid residue (PM5). In summary, this variant meets criteria to be classified as pathogenic for PAH. PAH-specific ACMG/AMP criteria applied: PM2, PP4-Moderate, PM3-Strong, PP3, PM5.

Counsyl
Classification: Uncertain significance for Phenylketonuria. Last evaluated: 2017-03-10. Review status: no assertion criteria provided. Collection method: clinical testing. Allele origin: unknown. Not counted in ClinVar's aggregate classification.

Literature cited by the submitters: PubMed 26503515 (cited by Counsyl).